The following is an entry in ClinVar:

ClinVar aggregate classification (germline): Conflicting classifications of pathogenicity. Review status: criteria provided, conflicting classifications (1 of 4 stars). 7 submissions from 7 submitters: Uncertain significance (1); Benign (1); Likely benign (5). Last evaluated 2025-06-24.

Conditions:
Familial ovarian cancer. Identifiers: MedGen C5679802, MONDO:0016248.
Hereditary cancer-predisposing syndrome. Also called: Hereditary neoplastic syndrome; Neoplastic Syndromes, Hereditary; Tumor predisposition; Hereditary Cancer Syndrome. Identifiers: Orphanet 140162, MedGen C0027672, MeSH D009386, MONDO:0015356.
Fanconi anemia complementation group J. Also called: BRIP1-Related Fanconi Anemia. Identifiers: Orphanet 84, MedGen C1836860, MONDO:0012187, OMIM 609054.
Familial cancer of breast. Also called: BREAST CANCER, FAMILIAL; hereditary breast carcinoma; Hereditary breast cancer. Identifiers: Orphanet 227535, MedGen C0346153, MONDO:0016419, OMIM 114480. Disease mechanism: loss of function.

Submissions (7):

Labcorp Genetics (formerly Invitae), Labcorp
Classification: Likely benign for Familial cancer of breast; Fanconi anemia complementation group J. Last evaluated: 2025-06-24. Review status: criteria provided, single submitter. Criteria: Invitae Variant Classification Sherloc (09022015). Collection method: clinical testing. Allele origin: germline.

Department of Pathology and Laboratory Medicine, Sinai Health System
Classification: Likely benign for familial ovarian cancer. Last evaluated: 2025-02-03. Review status: criteria provided, single submitter. Criteria: ACMG Guidelines, 2015. Collection method: clinical testing. Allele origin: germline.

Myriad Genetics, Inc.
Classification: Benign for Familial cancer of breast. Last evaluated: 2024-09-04. Review status: criteria provided, single submitter. Criteria: Myriad Autosomal Dominant, Autosomal Recessive and X-Linked Classification Criteria (2023). Collection method: clinical testing. Allele origin: unknown.
Comment: This variant is considered benign. This variant is a silent/synonymous amino acid change and it is not expected to impact splicing.

KCCC/NGS Laboratory, Kuwait Cancer Control Center
Classification: Likely benign for Familial cancer of breast. Last evaluated: 2023-07-07. Review status: criteria provided, single submitter. Criteria: ACMG Guidelines, 2015. Collection method: clinical testing. Allele origin: germline. Affected: yes.

GeneDx
Classification: Uncertain significance. Last evaluated: 2020-12-16. Review status: criteria provided, single submitter. Criteria: GeneDx Variant Classification Process June 2021. Collection method: clinical testing. Allele origin: germline. Affected: yes.
Comment: Not observed in large population cohorts (Lek 2016); In silico analysis supports that this variant does not alter splicing; Has not been previously published as pathogenic or benign to our knowledge

Color Diagnostics, LLC DBA Color Health
Classification: Likely benign for Hereditary cancer-predisposing syndrome. Last evaluated: 2017-05-26. Review status: criteria provided, single submitter. Criteria: ACMG Guidelines, 2015. Collection method: clinical testing. Allele origin: germline.

Ambry Genetics
Classification: Likely benign for Hereditary cancer-predisposing syndrome. Last evaluated: 2017-05-15. Review status: criteria provided, single submitter. Criteria: Ambry Variant Classification Scheme 2023. Collection method: clinical testing. Allele origin: germline.

NM_032043.3(BRIP1):c.2307G>A (p.Leu769=)

Gene: BRIP1 (BRCA1 interacting DNA helicase 1; minus strand). Cytogenetic location: 17q23.2.
Variant type: single nucleotide variant.
Coding change: c.2307G>A on transcript NM_032043.3 (MANE Select); coding-DNA position 2307, G replaced by A.
Protein change: p.Leu769=; no amino-acid change (leucine 769 retained).
Molecular consequence: synonymous variant.
Genome position (GRCh38, 1-based): chr17:61,743,085, C>T on the plus strand (G>A on the coding strand, the complement: BRIP1 is on the minus strand). VCF-style: chr17-61743085-C-T. GRCh37 (hg19) VCF-style: chr17-59820446-C-T.
Identifiers: ClinVar variation 461103 (VCV000461103.23), dbSNP rs1555590464, ClinGen allele CA501151110.